The following is an entry in ClinVar:

NM_001032283.3(TMPO):c.565+1705T>A

Gene: TMPO (thymopoietin; plus strand). Cytogenetic location: 12q23.1.
Variant type: single nucleotide variant.
Coding change: c.565+1705T>A on transcript NM_001032283.3 (MANE Select); 1705 bases into the intron after coding-DNA position 565, T replaced by A.
Molecular consequence: intron variant. On other transcripts: missense variant (1).
Genome position (GRCh38, 1-based): chr12:98,533,543, T>A. VCF-style: chr12-98533543-T-A. GRCh37 (hg19) VCF-style: chr12-98927321-T-A.
Other names: c.1286T>A, p.Val429Asp (NM_003276.2); c.565+1705T>A (NM_001307975.2, NM_001032284.3); short protein forms V429D.
Identifiers: ClinVar variation 3713115 (VCV003713115.4).

ClinVar aggregate classification (germline): Uncertain significance. Review status: criteria provided, multiple submitters, no conflicts (2 of 4 stars). 2 submissions from 2 submitters: Uncertain significance (2). Last evaluated 2025-08-14.

Conditions:
Loeys-Dietz syndrome 2 (LDS2). Also called: TGFBR2-Related Loeys-Dietz Syndrome; AORTIC ANEURYSM, FAMILIAL THORACIC 3; Marfan Syndrome type 2; Marfan like connective tissue disorder; MFS 2; Marfan syndrome, type 2 (formerly). Identifiers: Orphanet 284973, Orphanet 558, MedGen C2674574, MONDO:0012427, OMIM 610168.

gnomAD v4.1: 10 of 1,614,156 alleles (0.00062%); highest among the groups gnomAD compares: East Asian, 0.022%; no homozygotes.

Submissions (2):

Ambry Genetics
Classification: Uncertain significance. Last evaluated: 2025-08-14. Review status: criteria provided, single submitter. Criteria: Ambry Variant Classification Scheme 2023. Collection method: clinical testing. Allele origin: germline.

Labcorp Genetics (formerly Invitae), Labcorp
Classification: Uncertain significance for Loeys-Dietz syndrome 2. Last evaluated: 2024-08-29. Review status: criteria provided, single submitter. Criteria: Invitae Variant Classification Sherloc (09022015). Collection method: clinical testing. Allele origin: germline.
Comment: This sequence change replaces valine, which is neutral and non-polar, with aspartic acid, which is acidic and polar, at codon 429 of the TMPO protein (p.Val429Asp). This variant is present in population databases (no rsID available, gnomAD 0.006%). This variant has not been reported in the literature in individuals affected with TMPO-related conditions. Invitae Evidence Modeling of protein sequence and biophysical properties (such as structural, functional, and spatial information, amino acid conservation, physicochemical variation, residue mobility, and thermodynamic stability) indicates that this missense variant is not expected to disrupt TMPO protein function with a negative predictive value of 80%. In summary, the available evidence is currently insufficient to determine the role of this variant in disease. Therefore, it has been classified as a Variant of Uncertain Significance.